The following is an entry in ClinVar:

ClinVar aggregate classification (germline): Uncertain significance (1 of 4 stars; one submission).

Conditions:
Ataxia-telangiectasia syndrome (AT). Also called: Ataxia-telangiectasia, complementation group D; ATAXIA-TELANGIECTASIA, COMPLEMENTATION GROUP A; ATAXIA-TELANGIECTASIA, FRESNO VARIANT; Ataxia-telangiectasia; Ataxia telangiectasia (A-T); Cerebello-oculocutaneous telangiectasia. Identifiers: Orphanet 100, MedGen C0004135, MONDO:0008840, OMIM 208900.

Submission:

Labcorp Genetics (formerly Invitae), Labcorp
Classification: Uncertain significance for Ataxia-telangiectasia syndrome. Last evaluated: 2022-09-03. Review status: criteria provided, single submitter. Criteria: Invitae Variant Classification Sherloc (09022015). Collection method: clinical testing. Allele origin: germline.
Comment: In summary, the available evidence is currently insufficient to determine the role of this variant in disease. Therefore, it has been classified as a Variant of Uncertain Significance. This variant has not been reported in the literature in individuals affected with ATM-related conditions. This variant is not present in population databases (gnomAD no frequency). This variant, c.5166_5168dup, results in the insertion of 1 amino acid(s) of the ATM protein (p.Val1723dup), but otherwise preserves the integrity of the reading frame.

NM_000051.4(ATM):c.5166_5168dup (p.Val1723_Glu1724insVal)

Gene: ATM (ATM serine/threonine kinase; plus strand). Cytogenetic location: 11q22.3.
Variant type: Duplication.
Coding change: c.5166_5168dup on transcript NM_000051.4 (MANE Select); coding-DNA positions 5166 to 5168, 3 bases duplicated (GGT; older notation c.5166_5168dupGGT).
Protein change: p.Val1723_Glu1724insVal.
Molecular consequence: inframe insertion.
Genome position (GRCh38, 1-based): chr11:108,299,874-108,299,876, GGT duplicated; duplicating any 3 consecutive bases within chr11:108,299,873-108,299,876 gives the same sequence; the c. name uses the placement nearest the transcript's 3' end. VCF-style (leftmost placement, unchanged base first): chr11-108299872-C-CTGG. GRCh37 (hg19) VCF-style: chr11-108170599-C-CTGG.
Other names: c.5166_5168dup, p.Val1723_Glu1724insVal (NM_001351834.2).
Identifiers: ClinVar variation 2028944 (VCV002028944.4), dbSNP rs2546965755, ClinGen allele CA2580083018.